The following is an entry in ClinVar:

NM_001080517.3(SETD5):c.1498C>T (p.Gln500Ter)

Gene: SETD5 (SET domain containing 5; plus strand). Cytogenetic location: 3p25.3.
Variant type: single nucleotide variant.
Coding change: c.1498C>T on transcript NM_001080517.3 (MANE Select); coding-DNA position 1498, C replaced by T.
Protein change: p.Gln500Ter; replaces glutamine 500 with a stop codon.
Molecular consequence: nonsense.
Genome position (GRCh38, 1-based): chr3:9,445,714, C>T. VCF-style: chr3-9445714-C-T. GRCh37 (hg19) VCF-style: chr3-9487398-C-T.
Other names: c.1204C>T, p.Gln402Ter (NM_001292043.2, NM_001349451.2); short protein forms Q500*, Q402*.
Identifiers: ClinVar variation 620539 (VCV000620539.8), dbSNP rs1559427364, ClinGen allele CA351694168.

ClinVar aggregate classification (germline): Pathogenic. Review status: criteria provided, multiple submitters, no conflicts (2 of 4 stars). 4 submissions from 4 submitters: Pathogenic (4). Last evaluated 2023-04-19.

Conditions:
Intellectual disability-facial dysmorphism syndrome due to SETD5 haploinsufficiency (MRD23). Also called: Intellectual developmental disorder, autosomal dominant 23. Identifiers: Orphanet 404440, MedGen C3810406, MONDO:0014336, OMIM 615761.
SETD5-related disorder. Also called: SETD5-related disorders; SETD5-related condition.

Submissions (4):

PreventionGenetics, part of Exact Sciences
Classification: Pathogenic for SETD5-related condition. Last evaluated: 2023-04-19. Review status: criteria provided, single submitter. Criteria: ACMG Guidelines, 2015. Collection method: clinical testing. Allele origin: germline.
Comment: The SETD5 c.1498C>T variant is predicted to result in premature protein termination (p.Gln500*). To our knowledge, this variant has not been reported in the literature or in a large population database, indicating this variant is rare. Nonsense variants in SETD5 are expected to be pathogenic. This variant is interpreted as pathogenic.

Dasa
Classification: Pathogenic for Intellectual disability-facial dysmorphism syndrome due to SETD5 haploinsufficiency. Last evaluated: 2022-03-05. Review status: criteria provided, single submitter. Criteria: ACMG Guidelines, 2015. Collection method: clinical testing. Allele origin: germline. Affected: yes. Observed: 1 variant allele.
Comment: The c.1498C>T;p.(Gln500*) variant creates a premature translational stop signal in the SETD5 gene. It is expected to result in an absent or disrupted protein product - PVS1. This sequence change has been observed in affected individual(s) and ClinVar contains an entry for this variant (ClinVar ID: 620539) - PS4_supporting. This variant is not present in population databases (rs1559427364- gnomAD; ABraOM no frequency) - PM2. In summary, the currently available evidence indicates that the variant is pathogenic.

Provincial Medical Genetics Program of British Columbia, University of British Columbia
Classification: Pathogenic for Intellectual disability-facial dysmorphism syndrome due to SETD5 haploinsufficiency. Last evaluated: 2022-01-01. Review status: criteria provided, single submitter. Criteria: ACMG Guidelines, 2015. Collection method: clinical testing. Allele origin: maternal. Affected: yes.

GeneDx
Classification: Pathogenic. Last evaluated: 2019-07-30. Review status: criteria provided, single submitter. Criteria: GeneDx Variant Classification Process June 2021. Collection method: clinical testing. Allele origin: germline. Affected: yes.
Comment: Nonsense variant predicted to result in protein truncation or nonsense mediated decay in a gene for which loss-of-function is a known mechanism of disease; Not observed in large population cohorts (Lek et al., 2016); Has not been previously published as pathogenic or benign to our knowledge